The following is an entry in ClinVar:

ClinVar aggregate classification (germline): Uncertain significance (1 of 4 stars; one submission).

Submission:

GeneDx
Classification: Uncertain significance. Last evaluated: 2023-04-30. Review status: criteria provided, single submitter. Criteria: GeneDx Variant Classification Process June 2021. Collection method: clinical testing. Allele origin: germline. Affected: yes.
Comment: Not observed at significant frequency in large population cohorts (gnomAD); In silico analysis supports that this missense variant has a deleterious effect on protein structure/function; Missense variant in a gene in which most reported pathogenic variants are truncating/loss of function; Has not been previously published as pathogenic or benign to our knowledge

NM_004006.3(DMD):c.1409G>C (p.Arg470Thr)

Gene: DMD (dystrophin; minus strand). Cytogenetic location: Xp21.1.
Variant type: single nucleotide variant.
Coding change: c.1409G>C on transcript NM_004006.3 (MANE Select); coding-DNA position 1409, G replaced by C.
Protein change: p.Arg470Thr; replaces arginine 470 with threonine.
Molecular consequence: missense variant.
Genome position (GRCh38, 1-based): chrX:32,614,376, C>G on the plus strand (G>C on the coding strand, the complement: DMD is on the minus strand). VCF-style: chrX-32614376-C-G. GRCh37 (hg19) VCF-style: chrX-32632493-C-G.
Other names: c.1385G>C, p.Arg462Thr (NM_000109.4); c.1397G>C, p.Arg466Thr (NM_004009.3); c.1040G>C, p.Arg347Thr (NM_004010.3); short protein forms R347T, R462T, R466T, R470T.
Identifiers: ClinVar variation 3340880 (VCV003340880.1).
Genomic context (GRCh38, chrX:32,614,376, plus strand): 5'-ACTTGGCGTTTTAGGTCTTCAAGATCAGGTCCAAGAGGCTCTTCCTCCATTTTCCTTGTT[C>G]TTTCTTCTGTTTTTGTTAGCCAGTCATTCAACTCTTTCAGTTTCTGATTCTGGAGATCCA-3'
Protein context (NP_003997.2, residues 460-480): LNDWLTKTEE[Arg470Thr]TRKMEEEPLG